The following is an entry in ClinVar:

ClinVar aggregate classification (germline): Uncertain significance. Review status: criteria provided, multiple submitters, no conflicts (2 of 4 stars). 5 submissions from 4 submitters: Uncertain significance (4). 1 of the submissions does not count toward it. Last evaluated 2025-06-03.

Conditions:
KRIT1-related disorder. Also called: KRIT1-related condition; KRIT1-related disorders.
Inborn genetic diseases. Identifiers: MedGen C0950123, MeSH D030342.
Angiokeratoma corporis diffusum with arteriovenous fistulas. Identifiers: MedGen C1838141, MONDO:0010885, OMIM 600419.
Cerebral cavernous malformation (CCM). Also called: CAVERNOUS ANGIOMA, FAMILIAL; CAVERNOUS ANGIOMATOUS MALFORMATIONS; CEREBRAL CAPILLARY MALFORMATIONS; Cavernous Hemangioma of Brain; Cerebral cavernous hemangioma (type); Cerebral cavernous malformations. Identifiers: Orphanet 221061, MedGen C2919945, MONDO:0000820, OMIM 116860, HP:0033522.

Allele frequency attached by ClinVar (database versions not stated): gnomAD exomes below 0.00001; ExAC 0.00001; TOPMed 0.00002.
gnomAD v4.1: 6 of 1,606,760 alleles (0.00037%); highest among the groups gnomAD compares: East Asian, 0.0022%; no homozygotes.

Submissions (5):

Ambry Genetics
Classification: Uncertain significance for Inborn genetic diseases. Last evaluated: 2025-06-03. Review status: criteria provided, single submitter. Criteria: Ambry Variant Classification Scheme 2023. Collection method: clinical testing. Allele origin: germline.

Labcorp Genetics (formerly Invitae), Labcorp
Classification: Uncertain significance for Cerebral cavernous malformation. Last evaluated: 2020-05-15. Review status: criteria provided, single submitter. Criteria: Invitae Variant Classification Sherloc (09022015). Collection method: clinical testing. Allele origin: germline.
Comment: In summary, the available evidence is currently insufficient to determine the role of this variant in disease. Therefore, it has been classified as a Variant of Uncertain Significance. Algorithms developed to predict the effect of missense changes on protein structure and function output the following: SIFT: "Tolerated"; PolyPhen-2: "Benign"; Align-GVGD: "Class C0". The alanine amino acid residue is found in multiple mammalian species, suggesting that this missense change does not adversely affect protein function. These predictions have not been confirmed by published functional studies and their clinical significance is uncertain. This variant has not been reported in the literature in individuals with KRIT1-related conditions. ClinVar contains an entry for this variant (Variation ID: 468216). This variant is present in population databases (rs774330517, ExAC 0.009%). This sequence change replaces threonine with alanine at codon 151 of the KRIT1 protein (p.Thr151Ala). The threonine residue is moderately conserved and there is a small physicochemical difference between threonine and alanine.

Illumina Laboratory Services, Illumina
Classification: Uncertain significance for Angiokeratoma corporis diffusum with arteriovenous fistulas. Last evaluated: 2018-01-13. Review status: criteria provided, single submitter. Criteria: ICSL Variant Classification Criteria 13 December 2019. Collection method: clinical testing. Allele origin: germline.

Illumina Laboratory Services, Illumina
Classification: Uncertain significance for Cerebral cavernous malformation. Last evaluated: 2018-01-13. Review status: criteria provided, single submitter. Criteria: ICSL Variant Classification Criteria 13 December 2019. Collection method: clinical testing. Allele origin: germline.

PreventionGenetics, part of Exact Sciences
Classification: Uncertain significance for KRIT1-related condition. Last evaluated: 2024-04-03. Review status: no assertion criteria provided. Collection method: clinical testing. Allele origin: germline. Not counted in ClinVar's aggregate classification.
Comment: The KRIT1 c.451A>G variant is predicted to result in the amino acid substitution p.Thr151Ala. To our knowledge, this variant has not been reported in the literature. This variant is reported in 0.0029% of alleles in individuals of Latino descent in gnomAD. At this time, the clinical significance of this variant is uncertain due to the absence of conclusive functional and genetic evidence.

NM_194454.3(KRIT1):c.451A>G (p.Thr151Ala)

Gene: KRIT1 (KRIT1 ankyrin repeat containing; minus strand). Cytogenetic location: 7q21.2.
Variant type: single nucleotide variant.
Coding change: c.451A>G on transcript NM_194454.3 (MANE Select); coding-DNA position 451, A replaced by G.
Protein change: p.Thr151Ala; replaces threonine 151 with alanine.
Molecular consequence: missense variant. On other transcripts: 5 prime UTR variant (1).
Genome position (GRCh38, 1-based): chr7:92,236,447, T>C on the plus strand (A>G on the coding strand, the complement: KRIT1 is on the minus strand). VCF-style: chr7-92236447-T-C. GRCh37 (hg19) VCF-style: chr7-91865761-T-C.
Other names: c.451A>G, p.Thr151Ala (NM_001013406.2, NM_001350669.1, NM_001350670.1 and 29 more transcripts); c.-133A>G (NM_001350671.1); short protein forms T151A.
Identifiers: ClinVar variation 468216 (VCV000468216.15), dbSNP rs774330517, ClinGen allele CA4339380.